The following is an entry in ClinVar:

NM_004336.5(BUB1):c.2113G>A (p.Ala705Thr)

Gene: BUB1 (BUB1 mitotic checkpoint serine/threonine kinase; minus strand). Cytogenetic location: 2q13.
Variant type: single nucleotide variant.
Coding change: c.2113G>A on transcript NM_004336.5 (MANE Select); coding-DNA position 2113, G replaced by A.
Protein change: p.Ala705Thr; replaces alanine 705 with threonine.
Molecular consequence: missense variant.
Genome position (GRCh38, 1-based): chr2:110,650,636, C>T on the plus strand (G>A on the coding strand, the complement: BUB1 is on the minus strand). VCF-style: chr2-110650636-C-T. GRCh37 (hg19) VCF-style: chr2-111408213-C-T.
Other names: c.2053G>A, p.Ala685Thr (NM_001278616.2); c.2113G>A, p.Ala705Thr (NM_001278617.2); short protein forms A685T, A705T.
Identifiers: ClinVar variation 2464623 (VCV002464623.4), dbSNP rs745421465, ClinGen allele CA1827890.
Genomic context (GRCh38, chr2:110,650,636, plus strand): 5'-TCTGCATCCATTCTGCTTGGAGCCCAGCAATAGCATCTGGTGGATCTTCTGCAATGGCAG[C>T]GTCAGTGTCTGTGAGTCTGCAAGCCTCAACGCCCAACTCTGCCTCACAGGTAAGTACCCC-3'
Protein context (NP_004327.1, residues 695-715): VEACRLTDTD[Ala705Thr]AIAEDPPDAI

ClinVar aggregate classification (germline): Uncertain significance. Review status: criteria provided, multiple submitters, no conflicts (2 of 4 stars). 2 submissions from 2 submitters: Uncertain significance (2). Last evaluated 2024-05-06.

Allele frequency attached by ClinVar (database versions not stated): ExAC 0.00002; gnomAD 0.00007; TOPMed 0.00007; gnomAD exomes 0.00010.
gnomAD v4.1: 151 of 1,613,794 alleles (0.0094%); highest among the groups gnomAD compares: African/African-American, 0.013%; 1 homozygote.

Submissions (2):

Labcorp Genetics (formerly Invitae), Labcorp
Classification: Uncertain significance. Last evaluated: 2024-05-06. Review status: criteria provided, single submitter. Criteria: Invitae Variant Classification Sherloc (09022015). Collection method: clinical testing. Allele origin: germline.
Comment: This sequence change replaces alanine, which is neutral and non-polar, with threonine, which is neutral and polar, at codon 705 of the BUB1 protein (p.Ala705Thr). This variant is present in population databases (rs745421465, gnomAD 0.02%). This variant has not been reported in the literature in individuals affected with BUB1-related conditions. ClinVar contains an entry for this variant (Variation ID: 2464623). In summary, the available evidence is currently insufficient to determine the role of this variant in disease. Therefore, it has been classified as a Variant of Uncertain Significance.

Ambry Genetics
Classification: Uncertain significance. Last evaluated: 2022-11-24. Review status: criteria provided, single submitter. Criteria: Ambry Variant Classification Scheme 2023. Collection method: clinical testing. Allele origin: germline.
Comment: The p.A705T variant (also known as c.2113G>A), located in coding exon 18 of the BUB1 gene, results from a G to A substitution at nucleotide position 2113. The alanine at codon 705 is replaced by threonine, an amino acid with similar properties. This amino acid position is conserved. In addition, this alteration is predicted to be tolerated by in silico analysis. Since supporting evidence is limited at this time, the clinical significance of this alteration remains unclear.